The following is an entry in ClinVar:

ClinVar aggregate classification (germline): Uncertain significance (1 of 4 stars; one submission).

Submission:

Women's Health and Genetics/Laboratory Corporation of America, LabCorp
Classification: Uncertain significance. Last evaluated: 2024-10-18. Review status: criteria provided, single submitter. Criteria: LabCorp Variant Classification Summary - May 2015. Collection method: clinical testing. Allele origin: germline.
Comment: Variant summary: SLC26A4 c.1695T>G (p.Cys565Trp) results in a non-conservative amino acid change located in the STAS domain (IPR002645) of the encoded protein sequence. Five of five in-silico tools predict a damaging effect of the variant on protein function. The variant was absent in 250452 control chromosomes. The available data on variant occurrences in the general population are insufficient to allow any conclusion about variant significance. To our knowledge, no occurrence of c.1695T>G in individuals affected with Pendred Syndrome and no experimental evidence demonstrating its impact on protein function have been reported. No submitters have cited clinical-significance assessments for this variant to ClinVar. Based on the evidence outlined above, the variant was classified as uncertain significance.

NM_000441.2(SLC26A4):c.1695T>G (p.Cys565Trp)

Gene: SLC26A4 (solute carrier family 26 member 4; plus strand). Cytogenetic location: 7q22.3.
Variant type: single nucleotide variant.
Coding change: c.1695T>G on transcript NM_000441.2 (MANE Select); coding-DNA position 1695, T replaced by G.
Protein change: p.Cys565Trp; replaces cysteine 565 with tryptophan.
Molecular consequence: missense variant.
Genome position (GRCh38, 1-based): chr7:107,700,163, T>G. VCF-style: chr7-107700163-T-G. GRCh37 (hg19) VCF-style: chr7-107340608-T-G.
Other names: short protein forms C565W.
Identifiers: ClinVar variation 3385198 (VCV003385198.1).